The following is an entry in ClinVar:

ClinVar aggregate classification (germline): Pathogenic. Review status: criteria provided, multiple submitters, no conflicts (2 of 4 stars). 4 submissions from 4 submitters: Pathogenic (4). Last evaluated 2025-04-02.

Conditions:
SKIN/HAIR/EYE PIGMENTATION 1, BLUE/NONBLUE EYES (SHEP1). Also called: BROWN EYE COLOR 2; EYE COLOR 3; EYE COLOR, BLUE/NONBLUE; EYE COLOR, BROWN/BLUE; HAIR COLOR 3; SKIN/HAIR/EYE PIGMENTATION 1, BLOND/BROWN HAIR. Identifiers: MedGen C1856895, OMIM 227220.
Tyrosinase-positive oculocutaneous albinism (OCA2). Also called: ALBINISM II; Oculocutaneous albinism type 2; Albinism, oculocutaneous, type II. Identifiers: Orphanet 79432, MedGen C0268495, MONDO:0008746, OMIM 203200.
Oculocutaneous albinism. Identifiers: Orphanet 55, MedGen C0078918, MONDO:0018910.

Submissions (4):

Labcorp Genetics (formerly Invitae), Labcorp
Classification: Pathogenic. Last evaluated: 2025-04-02. Review status: criteria provided, single submitter. Criteria: Invitae Variant Classification Sherloc (09022015). Collection method: clinical testing. Allele origin: germline.
Comment: This sequence change replaces asparagine, which is neutral and polar, with aspartic acid, which is acidic and polar, at codon 476 of the OCA2 protein (p.Asn476Asp). This variant is not present in population databases (gnomAD no frequency). This missense change has been observed in individual(s) with ocular albinism (PMID: 17385796, 31077556, 32552135). In at least one individual the data is consistent with being in trans (on the opposite chromosome) from a pathogenic variant. ClinVar contains an entry for this variant (Variation ID: 2677403). Invitae Evidence Modeling of protein sequence and biophysical properties (such as structural, functional, and spatial information, amino acid conservation, physicochemical variation, residue mobility, and thermodynamic stability) indicates that this missense variant is expected to disrupt OCA2 protein function with a positive predictive value of 80%. For these reasons, this variant has been classified as Pathogenic.

Women's Health and Genetics/Laboratory Corporation of America, LabCorp
Classification: Pathogenic for Oculocutaneous albinism. Last evaluated: 2024-12-27. Review status: criteria provided, single submitter. Criteria: LabCorp Variant Classification Summary - May 2015. Collection method: clinical testing. Allele origin: germline.
Comment: Variant summary: OCA2 c.1426A>G (p.Asn476Asp) results in a conservative amino acid change located in the Citrate transporter domain (IPR004680) of the encoded protein sequence. Four of five in-silico tools predict a damaging effect of the variant on protein function. The variant was absent in 251488 control chromosomes. c.1426A>G has been reported in the literature in multiple homozygous and compound heterozygous individuals affected with Oculocutaneous Albinism (Li_2007, Zhong_2019, Xu_2021, Wei_2022). These data indicate that the variant is very likely to be associated with disease. To our knowledge, no experimental evidence demonstrating an impact on protein function has been reported. The following publications have been ascertained in the context of this evaluation (PMID: 17385796, 34838614, 33124154, 31077556). ClinVar contains an entry for this variant (Variation ID: 2677403). Based on the evidence outlined above, the variant was classified as pathogenic.

Baylor Genetics
Classification: Pathogenic for SKIN/HAIR/EYE PIGMENTATION 1, BLUE/NONBLUE EYES. Last evaluated: 2023-09-07. Review status: criteria provided, single submitter. Criteria: ACMG Guidelines, 2015. Collection method: clinical testing. Allele origin: unknown.

Juno Genomics, Hangzhou Juno Genomics, Inc
Classification: Pathogenic for Tyrosinase-positive oculocutaneous albinism. Review status: criteria provided, single submitter. Criteria: ACMG Guidelines, 2015. Collection method: clinical testing. Allele origin: germline. Affected: yes.
Comment: Absent from controls (or at extremely low frequency if recessive) in Genome Aggregation Database, Exome Sequencing Project, 1000 Genomes Project, or Exome Aggregation Consortium.;For recessive disorders, detected in trans with a pathogenic variant.;Patient's phenotype or family history is highly specific for a disease with a single genetic etiology.;Multiple lines of computational evidence support a deleterious effect on the gene or gene product (conservation, evolutionary, splicing impact, etc).

Literature cited by the submitters: PubMed 17385796 (cited by Labcorp Genetics (formerly Invitae), Labcorp and Women's Health and Genetics/Laboratory Corporation of America, LabCorp); PubMed 31077556 (cited by Labcorp Genetics (formerly Invitae), Labcorp and Women's Health and Genetics/Laboratory Corporation of America, LabCorp); PubMed 32552135 (cited by Labcorp Genetics (formerly Invitae), Labcorp); PubMed 34838614 (cited by Women's Health and Genetics/Laboratory Corporation of America, LabCorp); PubMed 33124154 (cited by Women's Health and Genetics/Laboratory Corporation of America, LabCorp).

NM_000275.3(OCA2):c.1426A>G (p.Asn476Asp)

Gene: OCA2 (OCA2 melanosomal transmembrane protein; minus strand). Cytogenetic location: 15q13.1.
Variant type: single nucleotide variant.
Coding change: c.1426A>G on transcript NM_000275.3 (MANE Select); coding-DNA position 1426, A replaced by G.
Protein change: p.Asn476Asp; replaces asparagine 476 with aspartic acid.
Molecular consequence: missense variant.
Genome position (GRCh38, 1-based): chr15:27,983,422, T>C on the plus strand (A>G on the coding strand, the complement: OCA2 is on the minus strand). VCF-style: chr15-27983422-T-C. GRCh37 (hg19) VCF-style: chr15-28228568-T-C.
Other names: c.1354A>G, p.Asn452Asp (NM_001300984.2); short protein forms N452D, N476D.
Identifiers: ClinVar variation 2677403 (VCV002677403.7), dbSNP rs2548339234, ClinGen allele CA391359535.